The following is an entry in ClinVar:

NM_003183.6(ADAM17):c.562A>G (p.Lys188Glu)

Gene: ADAM17 (ADAM metallopeptidase domain 17; minus strand). Cytogenetic location: 2p25.1.
Variant type: single nucleotide variant.
Coding change: c.562A>G on transcript NM_003183.6 (MANE Select); coding-DNA position 562, A replaced by G.
Protein change: p.Lys188Glu; replaces lysine 188 with glutamic acid.
Molecular consequence: missense variant. On other transcripts: 5 prime UTR variant (2).
Genome position (GRCh38, 1-based): chr2:9,527,843, T>C on the plus strand (A>G on the coding strand, the complement: ADAM17 is on the minus strand). VCF-style: chr2-9527843-T-C. GRCh37 (hg19) VCF-style: chr2-9667972-T-C.
Other names: c.-119A>G (NM_001382777.1); c.-361A>G (NM_001382778.1); short protein forms K188E.
Identifiers: ClinVar variation 2038575 (VCV002038575.4), dbSNP rs761424749, ClinGen allele CA1523737.
Genomic context (GRCh38, chr2:9,527,843, plus strand): 5'-TACCTTCAGGTGGTTCTCTGTCTACTAACCCTTTTGGGAGCAACTCTTCATTATCCACTT[T>C]TAAATAACCACACACTTTTGGAGACTGCAAACGTGAAACATTCTTGATATCTTCAGATTT-3'
Protein context (NP_003174.3, residues 178-198): LQSPKVCGYL[Lys188Glu]VDNEELLPKG

ClinVar aggregate classification (germline): Uncertain significance (1 of 4 stars; one submission).

Conditions:
Inflammatory skin and bowel disease, neonatal, 1. Identifiers: Orphanet 294023, MedGen C3280501, MONDO:0013693, OMIM 614328.

Allele frequency attached by ClinVar (database versions not stated): ExAC 0.00001; gnomAD exomes 0.00001; TOPMed 0.00001.
gnomAD v4.1: 9 of 1,606,422 alleles (0.00056%); highest among the groups gnomAD compares: African/African-American, 0.008%; no homozygotes.

Submission:

Labcorp Genetics (formerly Invitae), Labcorp
Classification: Uncertain significance for Inflammatory skin and bowel disease, neonatal, 1. Last evaluated: 2021-12-09. Review status: criteria provided, single submitter. Criteria: Invitae Variant Classification Sherloc (09022015). Collection method: clinical testing. Allele origin: germline.
Comment: Algorithms developed to predict the effect of missense changes on protein structure and function are either unavailable or do not agree on the potential impact of this missense change (SIFT: "Not Available"; PolyPhen-2: "Benign"; Align-GVGD: "Not Available"). This sequence change replaces lysine, which is basic and polar, with glutamic acid, which is acidic and polar, at codon 188 of the ADAM17 protein (p.Lys188Glu). This variant is present in population databases (rs761424749, gnomAD 0.01%). This variant has not been reported in the literature in individuals affected with ADAM17-related conditions. In summary, the available evidence is currently insufficient to determine the role of this variant in disease. Therefore, it has been classified as a Variant of Uncertain Significance.